The following is an entry in ClinVar:

NM_006231.4(POLE):c.496G>A (p.Val166Met)

Gene: POLE (DNA polymerase epsilon, catalytic subunit; minus strand). Cytogenetic location: 12q24.33.
Variant type: single nucleotide variant.
Coding change: c.496G>A on transcript NM_006231.4 (MANE Select); coding-DNA position 496, G replaced by A.
Protein change: p.Val166Met; replaces valine 166 with methionine.
Molecular consequence: missense variant.
Genome position (GRCh38, 1-based): chr12:132,679,579, C>T on the plus strand (G>A on the coding strand, the complement: POLE is on the minus strand). VCF-style: chr12-132679579-C-T. GRCh37 (hg19) VCF-style: chr12-133256165-C-T.
Other names: short protein forms V166M.
Identifiers: ClinVar variation 1384256 (VCV001384256.8), dbSNP rs2136027473, ClinGen allele CA387367193.

ClinVar aggregate classification (germline): Uncertain significance (1 of 4 stars; one submission).

Submission:

Labcorp Genetics (formerly Invitae), Labcorp
Classification: Uncertain significance. Last evaluated: 2021-04-02. Review status: criteria provided, single submitter. Criteria: Invitae Variant Classification Sherloc (09022015). Collection method: clinical testing. Allele origin: germline.
Comment: In summary, the available evidence is currently insufficient to determine the role of this variant in disease. Therefore, it has been classified as a Variant of Uncertain Significance. Algorithms developed to predict the effect of missense changes on protein structure and function are either unavailable or do not agree on the potential impact of this missense change (SIFT: "Deleterious"; PolyPhen-2: "Possibly Damaging"; Align-GVGD: "Class C0"). This variant has not been reported in the literature in individuals with POLE-related conditions. This variant is not present in population databases (ExAC no frequency). This sequence change replaces valine with methionine at codon 166 of the POLE protein (p.Val166Met). The valine residue is moderately conserved and there is a small physicochemical difference between valine and methionine.